The following is an entry in ClinVar:

NM_001040716.2(PC):c.2473+2T>C

Gene: PC (pyruvate carboxylase; minus strand). Cytogenetic location: 11q13.2.
Variant type: single nucleotide variant.
Coding change: c.2473+2T>C on transcript NM_001040716.2 (MANE Select); the canonical splice donor site of the intron after coding-DNA position 2473, T replaced by C.
Molecular consequence: splice donor variant.
Genome position (GRCh38, 1-based): chr11:66,850,672, A>G on the plus strand (T>C on the coding strand, the complement: PC is on the minus strand). VCF-style: chr11-66850672-A-G. GRCh37 (hg19) VCF-style: chr11-66618143-A-G.
Other names: c.2473+2T>C (NM_000920.4, NM_022172.3).
Identifiers: ClinVar variation 2084391 (VCV002084391.4), dbSNP rs2495436147, ClinGen allele CA381492899.

ClinVar aggregate classification (germline): Likely pathogenic (1 of 4 stars; one submission).

Conditions:
Pyruvate carboxylase deficiency. Also called: Pyruvate Carboxylase Deficiency Disease; ATAXIA WITH LACTIC ACIDOSIS II; LEIGH NECROTIZING ENCEPHALOPATHY DUE TO PYRUVATE CARBOXYLASE DEFICIENCY; LEIGH SYNDROME DUE TO PYRUVATE CARBOXYLASE DEFICIENCY; PC DEFICIENCY. Identifiers: Orphanet 3008, MedGen C0034341, MONDO:0009949, OMIM 266150.

Submission:

Labcorp Genetics (formerly Invitae), Labcorp
Classification: Likely pathogenic for Pyruvate carboxylase deficiency. Last evaluated: 2022-01-15. Review status: criteria provided, single submitter. Criteria: Invitae Variant Classification Sherloc (09022015). Collection method: clinical testing. Allele origin: germline.
Comment: In summary, the currently available evidence indicates that the variant is pathogenic, but additional data are needed to prove that conclusively. Therefore, this variant has been classified as Likely Pathogenic. Algorithms developed to predict the effect of sequence changes on RNA splicing suggest that this variant may disrupt the consensus splice site. This variant has not been reported in the literature in individuals affected with PC-related conditions. This variant is not present in population databases (gnomAD no frequency). This sequence change affects a donor splice site in intron 17 of the PC gene. It is expected to disrupt RNA splicing. Variants that disrupt the donor or acceptor splice site typically lead to a loss of protein function (PMID: 16199547), and loss-of-function variants in PC are known to be pathogenic (PMID: 12112657, 19306334).

Literature cited by the submitters: PubMed 16199547; PubMed 12112657; PubMed 19306334.